The following is an entry in ClinVar:

NM_133433.4(NIPBL):c.6249+4A>G

Gene: NIPBL (NIPBL cohesin loading factor; plus strand). Cytogenetic location: 5p13.2.
Variant type: single nucleotide variant.
Coding change: c.6249+4A>G on transcript NM_133433.4 (MANE Select); 4 bases into the intron after coding-DNA position 6249, A replaced by G.
Molecular consequence: intron variant.
Genome position (GRCh38, 1-based): chr5:37,044,491, A>G. VCF-style: chr5-37044491-A-G. GRCh37 (hg19) VCF-style: chr5-37044593-A-G.
Other names: c.6249+4A>G (NM_001438586.1, NM_015384.5).
Identifiers: ClinVar variation 4727526 (VCV004727526.1).

ClinVar aggregate classification (germline): Pathogenic (1 of 4 stars; one submission).

Conditions:
Cornelia de Lange syndrome 1 (CDLS1). Also called: Brachmann de Lange syndrome; NIPBL-Related Cornelia de Lange Syndrome; TYPUS DEGENERATIVUS AMSTELODAMENSIS. Identifiers: Orphanet 199, MedGen C4551851, MONDO:0007387, OMIM 122470.

Submission:

Labcorp Genetics (formerly Invitae), Labcorp
Classification: Pathogenic for Cornelia de Lange syndrome 1. Last evaluated: 2025-12-15. Review status: criteria provided, single submitter. Criteria: Invitae Variant Classification Sherloc (09022015). Collection method: clinical testing. Allele origin: germline.
Comment: This sequence change falls in intron 35 of the NIPBL gene. It does not directly change the encoded amino acid sequence of the NIPBL protein. It affects a nucleotide within the consensus splice site. This variant is not present in population databases (gnomAD no frequency). This variant has been observed in individual(s) with Cornelia de Lange syndrome (internal data). In at least one individual the variant was observed to be de novo. Variants that disrupt the consensus splice site are a relatively common cause of aberrant splicing (PMID: 17576681, 9536098). Algorithms developed to predict the effect of sequence changes on RNA splicing suggest that this variant may disrupt the consensus splice site. For these reasons, this variant has been classified as Pathogenic.

Literature cited by the submitters: PubMed 17576681; PubMed 9536098.